The following is an entry in ClinVar:

ClinVar aggregate classification (germline): Uncertain significance (1 of 4 stars; one submission).

Submission:

Labcorp Genetics (formerly Invitae), Labcorp
Classification: Uncertain significance. Last evaluated: 2020-12-05. Review status: criteria provided, single submitter. Criteria: Invitae Variant Classification Sherloc (09022015). Collection method: clinical testing. Allele origin: germline.
Comment: This sequence change replaces aspartic acid with valine at codon 199 of the ASRGL1 protein (p.Asp199Val). The aspartic acid residue is highly conserved and there is a large physicochemical difference between aspartic acid and valine. In summary, the available evidence is currently insufficient to determine the role of this variant in disease. Therefore, it has been classified as a Variant of Uncertain Significance. Algorithms developed to predict the effect of missense changes on protein structure and function (SIFT, PolyPhen-2, Align-GVGD) all suggest that this variant is likely to be disruptive, but these predictions have not been confirmed by published functional studies and their clinical significance is uncertain. This variant has not been reported in the literature in individuals with ASRGL1-related conditions. This variant is not present in population databases (ExAC no frequency).

NM_001083926.2(ASRGL1):c.596A>T (p.Asp199Val)

Gene: ASRGL1 (asparaginase and isoaspartyl peptidase 1; plus strand). Cytogenetic location: 11q12.3.
Variant type: single nucleotide variant.
Coding change: c.596A>T on transcript NM_001083926.2 (MANE Select); coding-DNA position 596, A replaced by T.
Protein change: p.Asp199Val; replaces aspartic acid 199 with valine.
Molecular consequence: missense variant.
Genome position (GRCh38, 1-based): chr11:62,389,237, A>T. VCF-style: chr11-62389237-A-T. GRCh37 (hg19) VCF-style: chr11-62156709-A-T.
Other names: c.596A>T, p.Asp199Val (NM_025080.4); short protein forms D199V.
Identifiers: ClinVar variation 1354213 (VCV001354213.8), dbSNP rs2134701394, ClinGen allele CA380870563.